The following is an entry in ClinVar:

ClinVar aggregate classification (germline): Uncertain significance. Review status: criteria provided, multiple submitters, no conflicts (2 of 4 stars). 2 submissions from 2 submitters: Uncertain significance (2). Last evaluated 2023-11-01.

Conditions:
Inborn genetic diseases. Identifiers: MedGen C0950123, MeSH D030342.

Allele frequency attached by ClinVar (database versions not stated): gnomAD 0.00001; ExAC 0.00003.
gnomAD v4.1: 33 of 1,607,172 alleles (0.0021%); highest among the groups gnomAD compares: South Asian, 0.009%; no homozygotes.

Submissions (2):

CeGaT Center for Human Genetics Tuebingen
Classification: Uncertain significance. Last evaluated: 2023-11-01. Review status: criteria provided, single submitter. Criteria: CeGaT Center For Human Genetics Tuebingen Variant Classification Criteria Version 2. Collection method: clinical testing. Allele origin: germline. Affected: yes. Observed: 1 variant allele.
Comment: WDR26: PP2

Ambry Genetics
Classification: Uncertain significance for Inborn genetic diseases. Last evaluated: 2021-08-03. Review status: criteria provided, single submitter. Criteria: Ambry Variant Classification Scheme 2023. Collection method: clinical testing. Allele origin: germline.

NM_001379403.1(WDR26):c.1457C>T (p.Pro486Leu)

Gene: WDR26 (WD repeat domain 26; minus strand). Cytogenetic location: 1q42.12.
Variant type: single nucleotide variant.
Coding change: c.1457C>T on transcript NM_001379403.1 (MANE Select); coding-DNA position 1457, C replaced by T.
Protein change: p.Pro486Leu; replaces proline 486 with leucine.
Molecular consequence: missense variant.
Genome position (GRCh38, 1-based): chr1:224,411,428, G>A on the plus strand (C>T on the coding strand, the complement: WDR26 is on the minus strand). VCF-style: chr1-224411428-G-A. GRCh37 (hg19) VCF-style: chr1-224599130-G-A.
Other names: c.1109C>T, p.Pro370Leu (NM_001115113.3); c.1157C>T, p.Pro386Leu (NM_025160.7); short protein forms P370L, P386L, P486L.
Identifiers: ClinVar variation 2226793 (VCV002226793.25), dbSNP rs752279779, ClinGen allele CA1415022.